The following is an entry in ClinVar:

ClinVar aggregate classification (germline): Uncertain significance (1 of 4 stars; one submission).

Submission:

Labcorp Genetics (formerly Invitae), Labcorp
Classification: Uncertain significance. Last evaluated: 2026-01-18. Review status: criteria provided, single submitter. Criteria: Invitae Variant Classification Sherloc (09022015). Collection method: clinical testing. Allele origin: germline.
Comment: This sequence change replaces valine, which is neutral and non-polar, with methionine, which is neutral and non-polar, at codon 287 of the MCM5 protein (p.Val287Met). This variant is present in population databases (no rsID available, gnomAD 0.003%). This variant has not been reported in the literature in individuals affected with MCM5-related conditions. Invitae Evidence Modeling of protein sequence and biophysical properties (such as structural, functional, and spatial information, amino acid conservation, physicochemical variation, residue mobility, and thermodynamic stability) indicates that this missense variant is not expected to disrupt MCM5 protein function with a negative predictive value of 80%. In summary, the available evidence is currently insufficient to determine the role of this variant in disease. Therefore, it has been classified as a Variant of Uncertain Significance.

NM_006739.4(MCM5):c.859G>A (p.Val287Met)

Gene: MCM5 (minichromosome maintenance complex component 5; plus strand). Cytogenetic location: 22q12.3.
Variant type: single nucleotide variant.
Coding change: c.859G>A on transcript NM_006739.4 (MANE Select); coding-DNA position 859, G replaced by A.
Protein change: p.Val287Met; replaces valine 287 with methionine.
Molecular consequence: missense variant.
Genome position (GRCh38, 1-based): chr22:35,410,850, G>A. VCF-style: chr22-35410850-G-A. GRCh37 (hg19) VCF-style: chr22-35806843-G-A.
Other names: short protein forms V287M.
Identifiers: ClinVar variation 4778247 (VCV004778247.1).